The following is an entry in ClinVar:

ClinVar aggregate classification (germline): Uncertain significance. Review status: criteria provided, multiple submitters, no conflicts (2 of 4 stars). 2 submissions from 2 submitters: Uncertain significance (2). Last evaluated 2025-11-11.

Conditions:
Emery-Dreifuss muscular dystrophy (EDMD). Also called: Scapuloperoneal syndrome, X-linked (formerly); Humeroperoneal neuromuscular disease, (formerly). Identifiers: Orphanet 261, MedGen C0410189, MONDO:0016830.

Allele frequency attached by ClinVar (database versions not stated): gnomAD exomes below 0.00001; TOPMed 0.00001; gnomAD 0.00002.
gnomAD v4.1: 28 of 1,589,972 alleles (0.0018%); highest among the groups gnomAD compares: Middle Eastern, 0.021%; no homozygotes.

Submissions (2):

Ambry Genetics
Classification: Uncertain significance. Last evaluated: 2025-11-11. Review status: criteria provided, single submitter. Criteria: Ambry Variant Classification Scheme 2023. Collection method: clinical testing. Allele origin: germline.

Labcorp Genetics (formerly Invitae), Labcorp
Classification: Uncertain significance for Emery-Dreifuss muscular dystrophy. Last evaluated: 2023-05-11. Review status: criteria provided, single submitter. Criteria: Invitae Variant Classification Sherloc (09022015). Collection method: clinical testing. Allele origin: germline.
Comment: In summary, the available evidence is currently insufficient to determine the role of this variant in disease. Therefore, it has been classified as a Variant of Uncertain Significance. An algorithm developed to predict the effect of missense changes on protein structure and function (PolyPhen-2) suggests that this variant is likely to be tolerated. ClinVar contains an entry for this variant (Variation ID: 658547). This variant has not been reported in the literature in individuals affected with SUN2-related conditions. The frequency data for this variant in the population databases is considered unreliable, as metrics indicate poor data quality at this position in the gnomAD database. This sequence change replaces arginine, which is basic and polar, with glutamine, which is neutral and polar, at codon 450 of the SUN2 protein (p.Arg450Gln).

NM_015374.3(SUN2):c.1349G>A (p.Arg450Gln)

Genes: GTPBP1 (GTP binding protein 1; plus strand), SUN2 (Sad1 and UNC84 domain containing 2; minus strand). Cytogenetic location: 22q13.1.
Variant type: single nucleotide variant.
Coding change: c.1349G>A on transcript NM_015374.3 (MANE Select); coding-DNA position 1349, G replaced by A.
Protein change: p.Arg450Gln; replaces arginine 450 with glutamine.
Molecular consequence: missense variant.
Genome position (GRCh38, 1-based): chr22:38,740,274, C>T on the plus strand (G>A on the coding strand, the complement: SUN2 is on the minus strand). VCF-style: chr22-38740274-C-T. GRCh37 (hg19) VCF-style: chr22-39136279-C-T.
Other names: c.1412G>A, p.Arg471Gln (NM_001199579.2); c.1349G>A, p.Arg450Gln (NM_001199580.2); short protein forms R471Q, R450Q.
Identifiers: ClinVar variation 658547 (VCV000658547.9), dbSNP rs1371797768, ClinGen allele CA411584504.